The following is an entry in ClinVar:

NM_003482.4(KMT2D):c.11426T>C (p.Val3809Ala)

Gene: KMT2D (lysine methyltransferase 2D; minus strand). Cytogenetic location: 12q13.12.
Variant type: single nucleotide variant.
Coding change: c.11426T>C on transcript NM_003482.4 (MANE Select); coding-DNA position 11426, T replaced by C.
Protein change: p.Val3809Ala; replaces valine 3809 with alanine.
Molecular consequence: missense variant.
Genome position (GRCh38, 1-based): chr12:49,033,279, A>G on the plus strand (T>C on the coding strand, the complement: KMT2D is on the minus strand). VCF-style: chr12-49033279-A-G. GRCh37 (hg19) VCF-style: chr12-49427062-A-G.
Other names: short protein forms V3809A.
Identifiers: ClinVar variation 4990144 (VCV004990144.1).

ClinVar aggregate classification (germline): Uncertain significance (1 of 4 stars; one submission).

Conditions:
KMT2D-related disorder. Also called: KMT2D-Related Disorders.

gnomAD v4.1: 1 of 1,572,826 alleles (0.000064%); highest among the groups gnomAD compares: Non-Finnish European, 0.000086%; no homozygotes.

Submission:

PreventionGenetics, part of Exact Sciences
Classification: Uncertain significance for KMT2D-related condition. Last evaluated: 2025-07-11. Review status: criteria provided, single submitter. Criteria: ACMG Guidelines, 2015. Collection method: clinical testing. Allele origin: germline.
Comment: The KMT2D c.11426T>C variant is predicted to result in the amino acid substitution p.Val3809Ala. To our knowledge, this variant has not been reported in the literature or in a large population database (gnomAD), indicating this variant is rare. At this time, the clinical significance of this variant is uncertain due to the absence of conclusive functional and genetic evidence.